The following is an entry in ClinVar:

ClinVar aggregate classification (germline): Uncertain significance (1 of 4 stars; one submission).

Conditions:
Hematuria, benign familial, 1 (BFH1). Also called: THIN MEMBRANE NEPHROPATHY. Identifiers: MedGen CN376803, MONDO:0007709, OMIM 141200.

Submission:

Kasturba Medical College, Manipal, Kasturba Medical College, Manipal, Manipal Academy of Higher Education, Manipal, India
Classification: Uncertain significance for Hematuria, benign familial, 1. Review status: criteria provided, single submitter. Criteria: ACMG Guidelines, 2015. Collection method: research. Allele origin: germline. Inheritance: Autosomal dominant inheritance. Affected: yes. Observed: 1 heterozygote.
Comment: Parents samples were unavailable for segregation analysis. This variant is not present in the gnomAD (v4.1.0) population database and our in-house database of 3369 exomes. In-silico prediction tools (CADD_Phred, REVEL, MutationTaster) are consistent in predicting the variant to be damaging to the COL4A4 protein function.

Literature cited by the submitters: PubMed 31144478; PubMed 24033287; PubMed 28632965.

NM_000092.5(COL4A4):c.3782G>T (p.Gly1261Val)

Gene: COL4A4 (collagen type IV alpha 4 chain; minus strand). Cytogenetic location: 2q36.3.
Variant type: single nucleotide variant.
Coding change: c.3782G>T on transcript NM_000092.5 (MANE Select); coding-DNA position 3782, G replaced by T.
Protein change: p.Gly1261Val; replaces glycine 1261 with valine.
Molecular consequence: missense variant.
Genome position (GRCh38, 1-based): chr2:227,031,980, C>A on the plus strand (G>T on the coding strand, the complement: COL4A4 is on the minus strand). VCF-style: chr2-227031980-C-A. GRCh37 (hg19) VCF-style: chr2-227896696-C-A.
Other names: short protein forms G1261V.
Identifiers: ClinVar variation 3393045 (VCV003393045.2).